The following is an entry in ClinVar:

ClinVar aggregate classification (germline): Uncertain significance (1 of 4 stars; one submission).

gnomAD v4.1: 5 of 1,602,994 alleles (0.00031%); highest among the groups gnomAD compares: Non-Finnish European, 0.00034%; no homozygotes.

Submission:

Labcorp Genetics (formerly Invitae), Labcorp
Classification: Uncertain significance. Last evaluated: 2025-08-12. Review status: criteria provided, single submitter. Criteria: Invitae Variant Classification Sherloc (09022015). Collection method: clinical testing. Allele origin: germline.
Comment: This sequence change replaces glycine, which is neutral and non-polar, with aspartic acid, which is acidic and polar, at codon 31 of the IL12RB2 protein (p.Gly31Asp). This variant is present in population databases (rs745519862, gnomAD 0.0009%). This variant has not been reported in the literature in individuals affected with IL12RB2-related conditions. ClinVar contains an entry for this variant (Variation ID: 3651545). An algorithm developed to predict the effect of missense changes on protein structure and function (PolyPhen-2) suggests that this variant is likely to be disruptive. In summary, the available evidence is currently insufficient to determine the role of this variant in disease. Therefore, it has been classified as a Variant of Uncertain Significance.

NM_001374259.2(IL12RB2):c.92G>A (p.Gly31Asp)

Gene: IL12RB2 (interleukin 12 receptor subunit beta 2; plus strand). Cytogenetic location: 1p31.3.
Variant type: single nucleotide variant.
Coding change: c.92G>A on transcript NM_001374259.2 (MANE Select); coding-DNA position 92, G replaced by A.
Protein change: p.Gly31Asp; replaces glycine 31 with aspartic acid.
Molecular consequence: missense variant. On other transcripts: non-coding transcript variant (2).
Genome position (GRCh38, 1-based): chr1:67,321,617, G>A. VCF-style: chr1-67321617-G-A. GRCh37 (hg19) VCF-style: chr1-67787300-G-A.
Other names: c.92G>A, p.Gly31Asp (NM_001258214.1, NM_001258215.1, NM_001258216.1 and 2 more transcripts); short protein forms G31D.
Identifiers: ClinVar variation 3651545 (VCV003651545.2).